The following is an entry in ClinVar:

NM_006947.4(SRP72):c.620G>A (p.Arg207His)

Gene: SRP72 (signal recognition particle 72; plus strand). Cytogenetic location: 4q12.
Variant type: single nucleotide variant.
Coding change: c.620G>A on transcript NM_006947.4 (MANE Select); coding-DNA position 620, G replaced by A.
Protein change: p.Arg207His; replaces arginine 207 with histidine.
Molecular consequence: missense variant. On other transcripts: non-coding transcript variant (1).
Genome position (GRCh38, 1-based): chr4:56,476,680, G>A. VCF-style: chr4-56476680-G-A. GRCh37 (hg19) VCF-style: chr4-57342846-G-A.
Other names: c.620G>A, p.Arg207His (NM_001267722.2); c.620G>A (NM_006947.3); short protein forms R207H.
Identifiers: ClinVar variation 31660 (VCV000031660.8), dbSNP rs387907189, ClinGen allele CA129879.
Genomic context (GRCh38, chr4:56,476,680, plus strand): 5'-AAATGGGATTTACCCAGCAATACTACTTTTAAAACAATTTTTCTCCTGTAGATCTTTGCC[G>A]CCGTTCATTATCAGAAGACACTGTAAGTATTCCATCATTGTTAAACCTAAATTTTACACT-3'
Protein context (NP_008878.3, residues 197-217): KILQKAEDLC[Arg207His]RSLSEDTDGT

ClinVar aggregate classification (germline): Uncertain significance. Review status: criteria provided, multiple submitters, no conflicts (2 of 4 stars). 4 submissions from 4 submitters: Uncertain significance (3). 1 of the submissions does not count toward it. Last evaluated 2025-08-13.

Conditions:
SRP72-related disorder. Also called: SRP72-related condition.
Autosomal dominant aplasia and myelodysplasia. Also called: Bone marrow failure syndrome 1. Identifiers: Orphanet 314399, MedGen C3808553, MONDO:0013851, OMIM 614675.

Allele frequency attached by ClinVar (database versions not stated): gnomAD exomes 0.00002 and 0.00003; ExAC 0.00003; gnomAD 0.00004; TOPMed 0.00005.
gnomAD v4.1: 38 of 1,612,054 alleles (0.0024%); highest among the groups gnomAD compares: African/African-American, 0.0067%; no homozygotes.

Submissions (4):

PreventionGenetics, part of Exact Sciences
Classification: Uncertain significance for SRP72-related condition. Last evaluated: 2025-08-13. Review status: criteria provided, single submitter. Criteria: ACMG Guidelines, 2015. Collection method: clinical testing. Allele origin: germline.
Comment: The SRP72 c.620G>A variant is predicted to result in the amino acid substitution p.Arg207His. This variant was reported in an individual with myelodysplasia and this variant was also identified in the similarly affected mother (Kirwan et al 2012. PubMed ID: 22541560). Functional studies suggested that this variant could lead to aberrant subcellular localization and abnormal binding to 7SL RNA (Kirwan et al 2012. PubMed ID: 22541560). This variant is reported in 0.0066% of alleles in individuals of South Asian descent in gnomAD. At this time, the clinical significance of this variant is uncertain due to the absence of conclusive functional and genetic evidence.

Labcorp Genetics (formerly Invitae), Labcorp
Classification: Uncertain significance. Last evaluated: 2024-09-29. Review status: criteria provided, single submitter. Criteria: Invitae Variant Classification Sherloc (09022015). Collection method: clinical testing. Allele origin: germline.
Comment: This sequence change replaces arginine, which is basic and polar, with histidine, which is basic and polar, at codon 207 of the SRP72 protein (p.Arg207His). This variant is present in population databases (rs387907189, gnomAD 0.007%). This missense change has been observed in individual(s) with clinical features of SRP72-related conditions (PMID: 22541560). ClinVar contains an entry for this variant (Variation ID: 31660). Invitae Evidence Modeling of protein sequence and biophysical properties (such as structural, functional, and spatial information, amino acid conservation, physicochemical variation, residue mobility, and thermodynamic stability) has been performed for this missense variant. However, the output from this modeling did not meet the statistical confidence thresholds required to predict the impact of this variant on SRP72 protein function. Experimental studies are conflicting or provide insufficient evidence to determine the effect of this variant on SRP72 function (PMID: 22541560). In summary, the available evidence is currently insufficient to determine the role of this variant in disease. Therefore, it has been classified as a Variant of Uncertain Significance.

Fulgent Genetics
Classification: Uncertain significance for Autosomal dominant aplasia and myelodysplasia. Last evaluated: 2024-03-19. Review status: criteria provided, single submitter. Criteria: ACMG Guidelines, 2015. Collection method: clinical testing. Allele origin: germline.

OMIM
Classification: Pathogenic for BONE MARROW FAILURE SYNDROME 1. Last evaluated: 2012-05-04. Review status: no assertion criteria provided. Collection method: literature only. Allele origin: germline. Not counted in ClinVar's aggregate classification.

Literature cited by the submitters: PubMed 22541560 (cited by Labcorp Genetics (formerly Invitae), Labcorp and OMIM).